The following is an entry in ClinVar:

NM_005993.5(TBCD):c.3256C>T (p.Gln1086Ter)

Gene: TBCD (tubulin folding cofactor D). Cytogenetic location: 17q25.3.
Variant type: single nucleotide variant.
Coding change: c.3256C>T on transcript NM_005993.5 (MANE Select); coding-DNA position 3256, C replaced by T.
Protein change: p.Gln1086Ter; replaces glutamine 1086 with a stop codon.
Molecular consequence: nonsense.
Genome position (GRCh38, 1-based): chr17:82,937,335, C>T. VCF-style: chr17-82937335-C-T. GRCh37 (hg19) VCF-style: chr17-80895211-C-T.
Other names: c.3205C>T, p.Gln1069Ter (NM_001411101.1); c.3175C>T, p.Gln1059Ter (NM_001411102.1); short protein forms Q1059*, Q1069*, Q1086*.
Identifiers: ClinVar variation 2719123 (VCV002719123.3), dbSNP rs769857214, ClinGen allele CA8863475.

ClinVar aggregate classification (germline): Pathogenic (1 of 4 stars; one submission).

Allele frequency attached by ClinVar (database versions not stated): gnomAD exomes below 0.00001; ExAC 0.00002.
gnomAD v4.1: 2 of 1,614,008 alleles (0.00012%); highest among the groups gnomAD compares: Admixed American, 0.0033%; no homozygotes.

Submission:

Labcorp Genetics (formerly Invitae), Labcorp
Classification: Pathogenic. Last evaluated: 2023-07-31. Review status: criteria provided, single submitter. Criteria: Invitae Variant Classification Sherloc (09022015). Collection method: clinical testing. Allele origin: germline.
Comment: This variant has not been reported in the literature in individuals affected with TBCD-related conditions. For these reasons, this variant has been classified as Pathogenic. Algorithms developed to predict the effect of sequence changes on RNA splicing suggest that this variant may disrupt the consensus splice site. This variant is present in population databases (rs769857214, gnomAD 0.006%). This sequence change creates a premature translational stop signal (p.Gln1086*) in the TBCD gene. It is expected to result in an absent or disrupted protein product. Loss-of-function variants in TBCD are known to be pathogenic (PMID: 27666370, 27666374).

Literature cited by the submitters: PubMed 27666370; PubMed 27666374.